The following is an entry in ClinVar:

NC_000001.10:g.(?_108679275)_(111674176_?)del

Genes: EPS8L3 (EPS8 signaling adaptor L3; minus strand), HENMT1 (HEN methyltransferase 1; minus strand), KCNA10 (potassium voltage-gated channel subfamily A member 10; minus strand), KCNA2 (potassium voltage-gated channel subfamily A member 2; minus strand), FNDC7 (fibronectin type III domain containing 7; plus strand) and 49 more. Cytogenetic location: 1p13.3.
Variant type: Deletion.
Identifiers: ClinVar variation 2424031 (VCV002424031.4).

ClinVar aggregate classification (germline): Pathogenic (1 of 4 stars; one submission).

Conditions:
Pontocerebellar hypoplasia type 9. Identifiers: Orphanet 369920, MedGen C4014354, MONDO:0014351, OMIM 615809.
Hereditary spastic paraplegia 63. Also called: Spastic paraplegia 63, autosomal recessive. Identifiers: Orphanet 401805, MedGen C3810295, MONDO:0014305, OMIM 615686.

Submission:

Labcorp Genetics (formerly Invitae), Labcorp
Classification: Pathogenic for Pontocerebellar hypoplasia type 9; Hereditary spastic paraplegia 63. Last evaluated: 2022-05-31. Review status: criteria provided, single submitter. Criteria: Invitae Variant Classification Sherloc (09022015). Collection method: clinical testing. Allele origin: germline.
Comment: A gross deletion of the genomic region encompassing the full coding sequence of the AMPD2 gene has been identified. Loss-of-function variants in AMPD2 are known to be pathogenic (PMID: 23911318). The boundaries of this event are unknown as they extend beyond the assayed region for this gene and therefore may encompass additional genes. This variant has not been reported in the literature in individuals affected with AMPD2-related conditions. For these reasons, this variant has been classified as Pathogenic.

Literature cited by the submitters: PubMed 23911318.